The following is an entry in ClinVar:

ClinVar aggregate classification (germline): Uncertain significance. Review status: criteria provided, multiple submitters, no conflicts (2 of 4 stars). 3 submissions from 3 submitters: Uncertain significance (2). 1 of the submissions does not count toward it. Last evaluated 2022-05-21.

Conditions:
Hypotonia, infantile, with psychomotor retardation and characteristic facies 3 (IHPRF3). Also called: TBCK-Related Neurodevelopmental Disorder. Identifiers: Orphanet 488632, MedGen C5567480, MONDO:0014823, OMIM 616900.

Allele frequency attached by ClinVar (database versions not stated): gnomAD exomes below 0.00001; TOPMed below 0.00001.
gnomAD v4.1: 1 of 1,610,272 alleles (0.000062%); highest among the groups gnomAD compares: Non-Finnish European, 0.000085%; no homozygotes.

Submissions (3):

Labcorp Genetics (formerly Invitae), Labcorp
Classification: Uncertain significance. Last evaluated: 2022-05-21. Review status: criteria provided, single submitter. Criteria: Invitae Variant Classification Sherloc (09022015). Collection method: clinical testing. Allele origin: germline.
Comment: This missense change has been observed in individual(s) with clinical features of autosomal recessive TBCK-related conditions (PMID: 30542205). In summary, the available evidence is currently insufficient to determine the role of this variant in disease. Therefore, it has been classified as a Variant of Uncertain Significance. Algorithms developed to predict the effect of sequence changes on RNA splicing suggest that this variant may disrupt the consensus splice site. Algorithms developed to predict the effect of missense changes on protein structure and function are either unavailable or do not agree on the potential impact of this missense change (SIFT: "Deleterious"; PolyPhen-2: "Probably Damaging"; Align-GVGD: "Class C0"). ClinVar contains an entry for this variant (Variation ID: 431722). This variant is not present in population databases (gnomAD no frequency). This sequence change replaces arginine, which is basic and polar, with serine, which is neutral and polar, at codon 261 of the TBCK protein (p.Arg261Ser).

TIDEX, University of British Columbia
Classification: Uncertain significance for Hypotonia, infantile, with psychomotor retardation and characteristic facies 3. Review status: criteria provided, single submitter. Criteria: ACMG Guidelines, 2015. Collection method: research. Allele origin: maternal. Inheritance: Autosomal recessive inheritance. Affected: yes.

Molecular Genetics Laboratory, BC Children's and BC Women's Hospitals
Classification: Uncertain significance for Hypotonia, infantile, with psychomotor retardation and characteristic facies 3. Last evaluated: 2016-06-20. Review status: no assertion criteria provided. Criteria: ACMG Guidelines, 2015. Collection method: clinical testing. Allele origin: germline. Affected: yes. Not counted in ClinVar's aggregate classification.

Literature cited by the submitters: PubMed 30542205 (cited by Labcorp Genetics (formerly Invitae), Labcorp).

NM_001163435.3(TBCK):c.783G>T (p.Arg261Ser)

Gene: TBCK (TBC1 domain containing kinase; minus strand). Cytogenetic location: 4q24.
Variant type: single nucleotide variant.
Coding change: c.783G>T on transcript NM_001163435.3 (MANE Select); coding-DNA position 783, G replaced by T.
Protein change: p.Arg261Ser; replaces arginine 261 with serine.
Molecular consequence: missense variant.
Genome position (GRCh38, 1-based): chr4:106,247,287, C>A on the plus strand (G>T on the coding strand, the complement: TBCK is on the minus strand). VCF-style: chr4-106247287-C-A. GRCh37 (hg19) VCF-style: chr4-107168444-C-A.
Other names: c.783G>T, p.Arg261Ser (NM_001163436.4); c.666G>T, p.Arg222Ser (NM_001163437.3); c.267G>T, p.Arg89Ser (NM_001290768.2); c.594G>T, p.Arg198Ser (NM_033115.5); short protein forms R261S, R198S, R222S, R89S.
Identifiers: ClinVar variation 431722 (VCV000431722.6), dbSNP rs1476004978, ClinGen allele CA357824908.